The following is an entry in ClinVar:

ClinVar aggregate classification (germline): Uncertain significance (1 of 4 stars; one submission).

Conditions:
Cardiovascular phenotype. Identifiers: MedGen CN230736.
Hereditary cancer-predisposing syndrome. Also called: Neoplastic Syndromes, Hereditary; Tumor predisposition; Hereditary Cancer Syndrome; Hereditary neoplastic syndrome. Identifiers: Orphanet 140162, MedGen C0027672, MeSH D009386, MONDO:0015356.

Submission:

Ambry Genetics
Classification: Uncertain significance for Cardiovascular phenotype; Hereditary cancer-predisposing syndrome. Last evaluated: 2026-05-20. Review status: criteria provided, single submitter. Criteria: Ambry Variant Classification Scheme 2023. Collection method: clinical testing. Allele origin: germline.
Comment: The p.G195C variant (also known as c.583G>T), located in coding exon 6 of the LZTR1 gene, results from a G to T substitution at nucleotide position 583. The glycine at codon 195 is replaced by cysteine, an amino acid with highly dissimilar properties. This amino acid position is highly conserved in available vertebrate species. In addition, this alteration is predicted to be deleterious by in silico analysis. Based on the available evidence, the clinical significance of this variant remains unclear.

NM_006767.4(LZTR1):c.583G>T (p.Gly195Cys)

Gene: LZTR1 (leucine zipper like post translational regulator 1; plus strand). Cytogenetic location: 22q11.21.
Variant type: single nucleotide variant.
Coding change: c.583G>T on transcript NM_006767.4 (MANE Select); coding-DNA position 583, G replaced by T.
Protein change: p.Gly195Cys; replaces glycine 195 with cysteine.
Molecular consequence: missense variant.
Genome position (GRCh38, 1-based): chr22:20,988,862, G>T. VCF-style: chr22-20988862-G-T. GRCh37 (hg19) VCF-style: chr22-21343151-G-T.
Other names: short protein forms G195C.
Identifiers: ClinVar variation 4859345 (VCV004859345.1).